The following is an entry in ClinVar:

ClinVar aggregate classification (germline): Likely pathogenic (1 of 4 stars; one submission).

Submission:

CeGaT Center for Human Genetics Tuebingen
Classification: Likely pathogenic. Last evaluated: 2022-07-01. Review status: criteria provided, single submitter. Criteria: CeGaT Center For Human Genetics Tuebingen Variant Classification Criteria Version 2. Collection method: clinical testing. Allele origin: germline. Affected: yes. Observed: 1 variant allele.
Comment: CAPN3: PM1, PM2, PM5:Supporting, PP3

NM_000070.3(CAPN3):c.700G>T (p.Gly234Trp)

Gene: CAPN3 (calpain 3; plus strand). Cytogenetic location: 15q15.1.
Variant type: single nucleotide variant.
Coding change: c.700G>T on transcript NM_000070.3 (MANE Select); coding-DNA position 700, G replaced by T.
Protein change: p.Gly234Trp; replaces glycine 234 with tryptophan.
Molecular consequence: missense variant.
Genome position (GRCh38, 1-based): chr15:42,388,995, G>T. VCF-style: chr15-42388995-G-T. GRCh37 (hg19) VCF-style: chr15-42681193-G-T.
Other names: c.700G>T, p.Gly234Trp (NM_024344.2, NM_173087.2); short protein forms G234W.
Identifiers: ClinVar variation 1701252 (VCV001701252.31), dbSNP rs886042440, ClinGen allele CA391998188.